The following is an entry in ClinVar:

ClinVar aggregate classification (germline): association (1 of 4 stars; one submission).

Conditions:
Leukemia, acute lymphocytic, susceptibility to, 2. Also called: Leukemia, acute lymphoblastic 2; LEUKEMIA, ACUTE LYMPHOBLASTIC, SUSCEPTIBILITY TO, 2. Identifiers: Orphanet 513, MedGen C2751593, MONDO:0013109, OMIM 613067.

Allele frequency attached by ClinVar (database versions not stated): 1000 Genomes Project 30x 0.22580; 1000 Genomes Project 0.22664; TOPMed 0.23888; gnomAD 0.24681 and 0.24744.
gnomAD v4.1: 37,702 of 152,166 alleles (25%); highest among the groups gnomAD compares: South Asian, 31%; 4,903 homozygotes.

Submission:

Laboratorios de Investigación en Biología Molecular e Inmunología, Universidad Autónoma de Nayarit
Classification: association for Leukemia, acute lymphocytic, susceptibility to, 2. Review status: criteria provided, single submitter. Criteria: ACMG Guidelines, 2015. Collection method: research. Allele origin: somatic. Inheritance: Somatic mutation.
Comment: In a genome wide association study of 317 patient with ALL and 17,958 controls, Trevino et al. (2009) found an association between ALL and 3 SNPs on chromosome 7p12.2. These were in linkage disequilibrium and located in the IKZF1 gene (603023) (rs11978267, p = 8.8 x 10(-11)) and the DDC gene (107930) (rs2167364, p = 2.8 x 10(-6) and rs2242041, p = 9.9 x 10(-7)). Trevino et al. (2009) concluded that germline variants can affect susceptibility to, and characteristics of, ALL and specific ALL sub types. In a genome wide association study of 2 case-control series, totaling 907 ALL cases and 2,398 controls, Papaemmanuil et al. (2009) found a significant association between ALL and a SNP at chromosome 7p12.2 in the IKZF1 gene (rs4132601, OR of 1.69, p = 1.20 x 10(-19)). The association was also highly significant when confined to B-cell ALL (OR of 1.73, p = 9.31 x 10(-20)). In vitro studies showed that IKZF1 mRNA expression was significantly associated with genotype in a dose-dependent fashion, with lower expression being associated with the C risk allele. The authors noted that Ikaros proteins are master regulators of lymphocyte development. By genotyping 1,384 cases of precursor B-cell childhood ALL and 1,877 controls from Germany and the United Kingdom, Prasad et al. (2010) found a significant association between IKZF1 SNP rs4132601 and ALL (OR of 1.69, p = 7.51 x 10(-22)). This finding replicated the susceptibility locus for ALL at chromosome 7p12.2 previously reported by Trevino et al. (2009) and Papaemmanuil et al. (2009).

NM_006060.6(IKZF1):c.851-1312A>G

Gene: IKZF1 (IKAROS family zinc finger 1; plus strand). Cytogenetic location: 7p12.2.
Variant type: single nucleotide variant.
Coding change: c.851-1312A>G on transcript NM_006060.6 (MANE Select); 1312 bases into the intron before coding-DNA position 851, A replaced by G.
Molecular consequence: intron variant.
Genome position (GRCh38, 1-based): chr7:50,398,606, A>G. VCF-style: chr7-50398606-A-G. GRCh37 (hg19) VCF-style: chr7-50466304-A-G.
Other names: c.464-1312A>G (NM_001291839.2); c.725-1312A>G (NM_001220765.3, NM_001291837.2); c.590-1312A>G (NM_001291838.2, NM_001220768.2); c.422-1312A>G (NM_001220771.2, NM_001291841.1); c.560-1312A>G (NM_001220767.2); c.434-1312A>G (NM_001220770.2); c.392-1312A>G (NM_001291842.1); c.296-1312A>G (NM_001291843.1); and 2 more.
Identifiers: ClinVar variation 691984 (VCV000691984.3), dbSNP rs11978267, ClinGen allele CA12677872.